The following is an entry in ClinVar:

ClinVar aggregate classification (germline): Likely pathogenic (1 of 4 stars; one submission).

Conditions:
Deficiency of butyryl-CoA dehydrogenase (ACADSD). Also called: SCADH DEFICIENCY; SCAD DEFICIENCY, MILD; ACYL-CoA DEHYDROGENASE, SHORT-CHAIN, DEFICIENCY OF; Short-Chain Acyl-CoA Dehydrogenase Deficiency; SCAD Deficiency; ACADS DEFICIENCY. Identifiers: Orphanet 26792, MedGen C0342783, MONDO:0008722, OMIM 201470. Disease mechanism: May be benign.

Submission:

Myriad Genetics, Inc.
Classification: Likely pathogenic for Deficiency of butyryl-CoA dehydrogenase. Last evaluated: 2022-01-02. Review status: criteria provided, single submitter. Criteria: Myriad Women's Health Autosomal Recessive and X-Linked Classification Criteria (2021). Collection method: clinical testing. Allele origin: unknown.
Comment: NM_000017.2(ACADS):c.607A>T(R203*) is expected to be pathogenic in the context of short-chain acyl-CoA dehydrogenase deficiency. This variant is predicted to lead to an abnormal or absent protein product due to the creation of a premature termination codon in ACADS, a gene where loss-of-function variants are known to be pathogenic. Please note: this variant was assessed in the context of healthy population screening.

NM_000017.4(ACADS):c.607A>T (p.Arg203Ter)

Gene: ACADS (acyl-CoA dehydrogenase short chain; plus strand). Cytogenetic location: 12q24.31.
Variant type: single nucleotide variant.
Coding change: c.607A>T on transcript NM_000017.4 (MANE Select); coding-DNA position 607, A replaced by T.
Protein change: p.Arg203Ter; replaces arginine 203 with a stop codon.
Molecular consequence: nonsense. On other transcripts: intron variant (1).
Genome position (GRCh38, 1-based): chr12:120,737,971, A>T. VCF-style: chr12-120737971-A-T. GRCh37 (hg19) VCF-style: chr12-121175774-A-T.
Other names: c.473-78A>T (NM_001302554.2); short protein forms R203*.
Identifiers: ClinVar variation 1726904 (VCV001726904.2), dbSNP rs2501194385, ClinGen allele CA386614767.